The following is an entry in ClinVar:

ClinVar aggregate classification (germline): Uncertain significance (1 of 4 stars; one submission).

Conditions:
Progressive familial heart block type IB (PFHB1B). Identifiers: Orphanet 871, MedGen C1970298, MONDO:0011474, OMIM 604559.

Allele frequency attached by ClinVar (database versions not stated): TOPMed below 0.00001; gnomAD exomes 0.00001.
gnomAD v4.1: 12 of 1,614,228 alleles (0.00074%); highest among the groups gnomAD compares: Non-Finnish European, 0.001%; no homozygotes.

Submission:

Labcorp Genetics (formerly Invitae), Labcorp
Classification: Uncertain significance for Progressive familial heart block type IB. Last evaluated: 2023-08-27. Review status: criteria provided, single submitter. Criteria: Invitae Variant Classification Sherloc (09022015). Collection method: clinical testing. Allele origin: germline.
Comment: In summary, the available evidence is currently insufficient to determine the role of this variant in disease. Therefore, it has been classified as a Variant of Uncertain Significance. An algorithm developed to predict the effect of missense changes on protein structure and function (PolyPhen-2) suggests that this variant is likely to be disruptive. This variant has not been reported in the literature in individuals affected with TRPM4-related conditions. This variant is not present in population databases (gnomAD no frequency). This sequence change replaces isoleucine, which is neutral and non-polar, with serine, which is neutral and polar, at codon 1080 of the TRPM4 protein (p.Ile1080Ser).

NM_017636.4(TRPM4):c.3239T>G (p.Ile1080Ser)

Gene: TRPM4 (transient receptor potential cation channel subfamily M member 4; plus strand). Cytogenetic location: 19q13.33.
Variant type: single nucleotide variant.
Coding change: c.3239T>G on transcript NM_017636.4 (MANE Select); coding-DNA position 3239, T replaced by G.
Protein change: p.Ile1080Ser; replaces isoleucine 1080 with serine.
Molecular consequence: missense variant.
Genome position (GRCh38, 1-based): chr19:49,210,316, T>G. VCF-style: chr19-49210316-T-G. GRCh37 (hg19) VCF-style: chr19-49713573-T-G.
Other names: c.2804T>G, p.Ile935Ser (NM_001195227.2); c.2894T>G, p.Ile965Ser (NM_001321281.2); c.1631T>G, p.Ile544Ser (NM_001321282.2); c.2717T>G, p.Ile906Ser (NM_001321283.2); c.2177T>G, p.Ile726Ser (NM_001321285.2); short protein forms I544S, I935S, I1080S, I965S, I906S, I726S.
Identifiers: ClinVar variation 2755469 (VCV002755469.3), dbSNP rs1600543225, ClinGen allele CA406771924.